The following is an entry in ClinVar:

ClinVar aggregate classification (germline): Uncertain significance (1 of 4 stars; one submission).

Conditions:
Inborn genetic diseases. Identifiers: MedGen C0950123, MeSH D030342.

Submission:

Ambry Genetics
Classification: Uncertain significance for Inborn genetic diseases. Last evaluated: 2022-06-06. Review status: criteria provided, single submitter. Criteria: Ambry Variant Classification Scheme 2023. Collection method: clinical testing. Allele origin: germline.
Comment: The p.F902Y variant (also known as c.2705T>A), located in coding exon 21 of the LRRK2 gene, results from a T to A substitution at nucleotide position 2705. The phenylalanine at codon 902 is replaced by tyrosine, an amino acid with highly similar properties. This amino acid position is conserved. In addition, this alteration is predicted to be tolerated by in silico analysis. Since supporting evidence is limited at this time, the clinical significance of this alteration remains unclear.

NM_198578.4(LRRK2):c.2705T>A (p.Phe902Tyr)

Gene: LRRK2 (leucine rich repeat kinase 2; plus strand). Cytogenetic location: 12q12.
Variant type: single nucleotide variant.
Coding change: c.2705T>A on transcript NM_198578.4 (MANE Select); coding-DNA position 2705, T replaced by A.
Protein change: p.Phe902Tyr; replaces phenylalanine 902 with tyrosine.
Molecular consequence: missense variant.
Genome position (GRCh38, 1-based): chr12:40,293,560, T>A. VCF-style: chr12-40293560-T-A. GRCh37 (hg19) VCF-style: chr12-40687362-T-A.
Other names: short protein forms F902Y.
Identifiers: ClinVar variation 1794974 (VCV001794974.2), dbSNP rs2499713285, ClinGen allele CA384410639.